The following is an entry in ClinVar:

ClinVar aggregate classification (germline): Uncertain significance (1 of 4 stars; one submission).

Conditions:
Inborn genetic diseases. Identifiers: MedGen C0950123, MeSH D030342.

gnomAD v4.1: 3 of 1,614,120 alleles (0.00019%); highest among the groups gnomAD compares: Non-Finnish European, 0.00025%; no homozygotes.

Submission:

Ambry Genetics
Classification: Uncertain significance for Inborn genetic diseases. Last evaluated: 2025-12-22. Review status: criteria provided, single submitter. Criteria: Ambry Variant Classification Scheme 2023. Collection method: clinical testing. Allele origin: germline.
Comment: The p.T236I variant (also known as c.707C>T), located in coding exon 6 of the HAX1 gene, results from a C to T substitution at nucleotide position 707. The threonine at codon 236 is replaced by isoleucine, an amino acid with similar properties. This amino acid position is conserved. In addition, this alteration is predicted to be tolerated by in silico analysis. Based on the available evidence, the clinical significance of this variant remains unclear.

NM_006118.4(HAX1):c.707C>T (p.Thr236Ile)

Gene: HAX1 (HCLS1 associated protein X-1; plus strand). Cytogenetic location: 1q21.3.
Variant type: single nucleotide variant.
Coding change: c.707C>T on transcript NM_006118.4 (MANE Select); coding-DNA position 707, C replaced by T.
Protein change: p.Thr236Ile; replaces threonine 236 with isoleucine.
Molecular consequence: missense variant.
Genome position (GRCh38, 1-based): chr1:154,275,436, C>T. VCF-style: chr1-154275436-C-T. GRCh37 (hg19) VCF-style: chr1-154247912-C-T.
Other names: c.563C>T, p.Thr188Ile (NM_001018837.2); short protein forms T188I, T236I.
Identifiers: ClinVar variation 4842732 (VCV004842732.1).
Genomic context (GRCh38, chr1:154,275,436, plus strand): 5'-GGGACTTCTCTTTGTAGATAGTGGAGGAGCGCCGGACTGTGGTGGACAGTGAGGGCCGGA[C>T]AGAGACTACAGTAACCCGACACGAAGCAGATAGCAGTCCTAGGGGTGGTAAGTTAAAAGA-3'
Protein context (NP_006109.2, residues 226-246): RRTVVDSEGR[Thr236Ile]ETTVTRHEAD